The following is an entry in ClinVar:

ClinVar aggregate classification (germline): Uncertain significance (1 of 4 stars; one submission).

Allele frequency attached by ClinVar (database versions not stated): ExAC 0.00001; gnomAD 0.00001; gnomAD exomes 0.00001; TOPMed 0.00001.
gnomAD v4.1: 10 of 1,613,596 alleles (0.00062%); highest among the groups gnomAD compares: Non-Finnish European, 0.00076%; no homozygotes.

Submission:

Labcorp Genetics (formerly Invitae), Labcorp
Classification: Uncertain significance. Last evaluated: 2022-10-03. Review status: criteria provided, single submitter. Criteria: Invitae Variant Classification Sherloc (09022015). Collection method: clinical testing. Allele origin: germline.
Comment: In summary, the available evidence is currently insufficient to determine the role of this variant in disease. Therefore, it has been classified as a Variant of Uncertain Significance. Algorithms developed to predict the effect of missense changes on protein structure and function (SIFT, PolyPhen-2, Align-GVGD) all suggest that this variant is likely to be tolerated. This variant has not been reported in the literature in individuals affected with PNPLA8-related conditions. This variant is present in population databases (rs761303724, gnomAD 0.002%). This sequence change replaces methionine, which is neutral and non-polar, with valine, which is neutral and non-polar, at codon 640 of the PNPLA8 protein (p.Met640Val).

NM_001256007.3(PNPLA8):c.1918A>G (p.Met640Val)

Gene: PNPLA8 (patatin like domain 8, phospholipase A2; minus strand). Cytogenetic location: 7q31.1.
Variant type: single nucleotide variant.
Coding change: c.1918A>G on transcript NM_001256007.3 (MANE Select); coding-DNA position 1918, A replaced by G.
Protein change: p.Met640Val; replaces methionine 640 with valine.
Molecular consequence: missense variant.
Genome position (GRCh38, 1-based): chr7:108,479,340, T>C on the plus strand (A>G on the coding strand, the complement: PNPLA8 is on the minus strand). VCF-style: chr7-108479340-T-C. GRCh37 (hg19) VCF-style: chr7-108119784-T-C.
Other names: c.1918A>G, p.Met640Val (NM_001256008.3, NM_015723.5); c.1732A>G, p.Met578Val (NM_001256009.3); c.1618A>G, p.Met540Val (NM_001256010.3, NM_001256011.3); short protein forms M540V, M640V, M578V.
Identifiers: ClinVar variation 1915151 (VCV001915151.5), dbSNP rs761303724, ClinGen allele CA4439428.